The following is an entry in ClinVar:

ClinVar aggregate classification (germline): Uncertain significance (1 of 4 stars; one submission).

Conditions:
Primary ciliary dyskinesia. Also called: Ciliary dyskinesia. Identifiers: Orphanet 244, MedGen C0008780, MONDO:0016575, HP:0012265.

Submission:

Department of Human Genetics, Hannover Medical School
Classification: Uncertain significance for Primary Ciliary Dyskinesia. Last evaluated: 2026-04-01. Review status: criteria provided, single submitter. Criteria: ACMG Guidelines, 2015. Collection method: research. Allele origin: germline. Affected: no.
Comment: Classification performed by HerediClassify using the following criteria:['PM2_supporting: Variant occures does not occur as homozygous in gnomAD.', 'PP3_protein_moderate: Variant is predicted to be pathogenic by REVEL with evidence strength moderate.', "PP4_moderate: The modified PICADAR socre of 4.0 exceeds threshold of 3 achieving 'moderate' evidence strength."]

NM_001122764.3(PPOX):c.19G>C (p.Val7Leu)

Gene: PPOX (protoporphyrinogen oxidase; plus strand). Cytogenetic location: 1q23.3.
Variant type: single nucleotide variant.
Coding change: c.19G>C on transcript NM_001122764.3 (MANE Select); coding-DNA position 19, G replaced by C.
Protein change: p.Val7Leu; replaces valine 7 with leucine.
Molecular consequence: missense variant. On other transcripts: 5 prime UTR variant (5).
Genome position (GRCh38, 1-based): chr1:161,166,866, G>C. VCF-style: chr1-161166866-G-C. GRCh37 (hg19) VCF-style: chr1-161136656-G-C.
Other names: c.19G>C, p.Val7Leu (NM_000309.5, NM_001350128.2, NM_001365398.1 and 1 more transcripts); c.-409G>C (NM_001350129.2); c.-500G>C (NM_001350130.2); c.-386G>C (NM_001350131.2); c.-293G>C (NM_001365400.1); c.-352G>C (NM_001365401.1); short protein forms V7L.
Identifiers: ClinVar variation 4880093 (VCV004880093.1).
Genomic context (GRCh38, chr1:161,166,866, plus strand): 5'-GGTCTGCCTGTCCATATCGCCCCCTTTCCCCCAGGTTTCCGCATGGGCCGGACCGTGGTC[G>C]TGCTGGGCGGAGGCATCAGCGGCTTGGCCGCCAGTTACCACCTGAGCCGGGCCCCCTGCC-3'
Protein context (NP_001116236.1, residues 1-17): MGRTVV[Val7Leu]LGGGISGLAA